The following is an entry in ClinVar:

ClinVar aggregate classification (germline): Uncertain significance (1 of 4 stars; one submission).

Submission:

Women's Health and Genetics/Laboratory Corporation of America, LabCorp
Classification: Uncertain significance. Last evaluated: 2024-07-17. Review status: criteria provided, single submitter. Criteria: LabCorp Variant Classification Summary - May 2015. Collection method: clinical testing. Allele origin: germline.
Comment: Variant summary: ACADVL c.1406G>T (p.Arg469Leu) results in a non-conservative amino acid change in the encoded protein sequence. Five of five in-silico tools predict a damaging effect of the variant on protein function. The variant was absent in 251418 control chromosomes (gnomAD). The available data on variant occurrences in the general population are insufficient to allow any conclusion about variant significance. To our knowledge, no occurrence of c.1406G>T in individuals affected with Very Long Chain Acyl-CoA Dehydrogenase Deficiency and no experimental evidence demonstrating its impact on protein function have been reported. No submitters have cited clinical-significance assessments for this variant to ClinVar. Based on the evidence outlined above, the variant was classified as uncertain significance.

NM_000018.4(ACADVL):c.1406G>T (p.Arg469Leu)

Gene: ACADVL (acyl-CoA dehydrogenase very long chain; plus strand). Cytogenetic location: 17p13.1.
Variant type: single nucleotide variant.
Coding change: c.1406G>T on transcript NM_000018.4 (MANE Select); coding-DNA position 1406, G replaced by T.
Protein change: p.Arg469Leu; replaces arginine 469 with leucine.
Molecular consequence: missense variant.
Genome position (GRCh38, 1-based): chr17:7,224,041, G>T. VCF-style: chr17-7224041-G-T. GRCh37 (hg19) VCF-style: chr17-7127360-G-T.
Other names: c.1340G>T, p.Arg447Leu (NM_001033859.3); c.1475G>T, p.Arg492Leu (NM_001270447.2); c.1178G>T, p.Arg393Leu (NM_001270448.2); short protein forms R393L, R447L, R469L, R492L.
Identifiers: ClinVar variation 3339473 (VCV003339473.1).